The following is an entry in ClinVar:

NM_000419.5(ITGA2B):c.2252A>G (p.Gln751Arg)

Gene: ITGA2B (integrin subunit alpha 2b; minus strand). Cytogenetic location: 17q21.31.
Variant type: single nucleotide variant.
Coding change: c.2252A>G on transcript NM_000419.5 (MANE Select); coding-DNA position 2252, A replaced by G.
Protein change: p.Gln751Arg; replaces glutamine 751 with arginine.
Molecular consequence: missense variant.
Genome position (GRCh38, 1-based): chr17:44,377,024, T>C on the plus strand (A>G on the coding strand, the complement: ITGA2B is on the minus strand). VCF-style: chr17-44377024-T-C. GRCh37 (hg19) VCF-style: chr17-42454392-T-C.
Other names: short protein forms Q751R.
Identifiers: ClinVar variation 1337758 (VCV001337758.4), dbSNP rs2143443652, ClinGen allele CA399798218.

ClinVar aggregate classification (germline): Uncertain significance (1 of 4 stars; one submission).

Allele frequency attached by ClinVar (database versions not stated): gnomAD exomes below 0.00001.
gnomAD v4.1: 2 of 1,592,558 alleles (0.00013%); highest among the groups gnomAD compares: Non-Finnish European, 0.00017%; no homozygotes.

Submission:

Genetic Services Laboratory, University of Chicago
Classification: Uncertain significance. Last evaluated: 2020-09-29. Review status: criteria provided, single submitter. Criteria: ACMG Guidelines, 2015. Collection method: clinical testing. Allele origin: germline. Affected: no.
Comment: DNA sequence analysis of the ITGA2B gene demonstrated a sequence change, c.2252A>G, in exon 22 that results in an amino acid change, p.Gln751Arg. This sequence change does not appear to have been previously described in patients with ITGA2B-related disorders. This sequence change is absent in the gnomAD population database. The p.Gln751Arg change affects a moderately conserved amino acid residue located in a domain of the ITGA2B protein that is known to be functional. The p.Gln751Arg substitution appears to be benign using several in-silico pathogenicity prediction tools (SIFT, PolyPhen2, Align GVGD, REVEL). Due to these contrasting evidences and the lack of functional studies, the clinical significance of the p.Gln751Arg change remains unknown at this time.